The following is an entry in ClinVar:

NM_144596.4(TTC8):c.512A>G (p.Asp171Gly)

Gene: TTC8 (tetratricopeptide repeat domain 8; plus strand). Cytogenetic location: 14q31.3.
Variant type: single nucleotide variant.
Coding change: c.512A>G on transcript NM_144596.4 (MANE Select); coding-DNA position 512, A replaced by G.
Protein change: p.Asp171Gly; replaces aspartic acid 171 with glycine.
Molecular consequence: missense variant. On other transcripts: 5 prime UTR variant (1), non-coding transcript variant (1), intron variant (3).
Genome position (GRCh38, 1-based): chr14:88,841,447, A>G. VCF-style: chr14-88841447-A-G. GRCh37 (hg19) VCF-style: chr14-89307791-A-G.
Other names: c.482A>G, p.Asp161Gly (NM_001288781.1, NM_001366535.2, NM_198309.3); c.-81A>G (NM_001288782.1); c.-199+251A>G (NM_001288783.1); c.459+251A>G (NM_198310.3, NM_001366536.2); short protein forms D171G, D161G.
Identifiers: ClinVar variation 2109793 (VCV002109793.5), dbSNP rs752043566, ClinGen allele CA7302504.

ClinVar aggregate classification (germline): Uncertain significance. Review status: criteria provided, multiple submitters, no conflicts (2 of 4 stars). 2 submissions from 2 submitters: Uncertain significance (2). Last evaluated 2022-04-07.

Conditions:
Bardet-Biedl syndrome (BBS). Identifiers: Orphanet 110, MedGen C0752166, MONDO:0015229.

Allele frequency attached by ClinVar (database versions not stated): gnomAD exomes below 0.00001; ExAC 0.00001.
gnomAD v4.1: 4 of 1,613,782 alleles (0.00025%); highest among the groups gnomAD compares: Non-Finnish European, 0.00034%; no homozygotes.

Submissions (2):

Labcorp Genetics (formerly Invitae), Labcorp
Classification: Uncertain significance for Bardet-Biedl syndrome. Last evaluated: 2022-04-07. Review status: criteria provided, single submitter. Criteria: Invitae Variant Classification Sherloc (09022015). Collection method: clinical testing. Allele origin: germline.
Comment: This sequence change replaces aspartic acid, which is acidic and polar, with glycine, which is neutral and non-polar, at codon 161 of the TTC8 protein (p.Asp161Gly). This variant is present in population databases (rs752043566, gnomAD 0.0009%). This variant has not been reported in the literature in individuals affected with TTC8-related conditions. Algorithms developed to predict the effect of missense changes on protein structure and function are either unavailable or do not agree on the potential impact of this missense change (SIFT: "Deleterious"; PolyPhen-2: "Benign"; Align-GVGD: "Class C0"). In summary, the available evidence is currently insufficient to determine the role of this variant in disease. Therefore, it has been classified as a Variant of Uncertain Significance.

Blueprint Genetics
Classification: Uncertain significance. Last evaluated: 2021-08-25. Review status: criteria provided, single submitter. Criteria: ACMG Guidelines, 2015. Collection method: clinical testing. Allele origin: germline.